The following is an entry in ClinVar:

ClinVar aggregate classification (germline): Conflicting classifications of pathogenicity. Review status: criteria provided, conflicting classifications (1 of 4 stars). 4 submissions from 3 submitters: Uncertain significance (3); Likely benign (1). Last evaluated 2023-12-07.

Conditions:
Acrodysostosis 1 with or without hormone resistance (ACRDYS1). Also called: ACRODYSOSTOSIS 1 WITH HORMONE RESISTANCE; ACRODYSOSTOSIS 1 WITHOUT HORMONE RESISTANCE; ACRODYSOSTOSIS WITH HORMONE RESISTANCE. Identifiers: Orphanet 280651, MedGen C3276228, MONDO:0007044, OMIM 101800.
Hereditary cancer-predisposing syndrome. Also called: Hereditary neoplastic syndrome; Neoplastic Syndromes, Hereditary; Tumor predisposition; Hereditary Cancer Syndrome. Identifiers: Orphanet 140162, MedGen C0027672, MeSH D009386, MONDO:0015356.
Carney complex, type 1 (CNC1). Also called: CARNEY MYXOMA-ENDOCRINE COMPLEX; CARNEY COMPLEX, TYPE I. Identifiers: Orphanet 1359, MedGen C2607929, MONDO:0008057, OMIM 160980.

Allele frequency attached by ClinVar (database versions not stated): gnomAD exomes below 0.00001.
gnomAD v4.1: 2 of 1,613,800 alleles (0.00012%); highest among the groups gnomAD compares: Non-Finnish European, 0.00017%; no homozygotes.

Submissions (4):

Labcorp Genetics (formerly Invitae), Labcorp
Classification: Likely benign for Carney complex, type 1. Last evaluated: 2023-12-07. Review status: criteria provided, single submitter. Criteria: Invitae Variant Classification Sherloc (09022015). Collection method: clinical testing. Allele origin: germline.

Sema4
Classification: Uncertain significance for Hereditary cancer-predisposing syndrome. Last evaluated: 2022-02-27. Review status: criteria provided, single submitter. Criteria: Sema4 Curation Guidelines. Collection method: curation. Allele origin: germline.
Comment: The PRKAR1A c.770-8T>G variant has not been reported in the literature to our knowledge. This variant is not reported in the population database Genome Aggregation Database (PMID: 32461654). The variant has been reported in ClinVar (Variation ID: 892521). In silico tools suggest the variant may not impact splicing, though these predictions have not been confirmed by functional studies. The evidence is insufficient to meet ACMG/AMP criteria for classifying the variant as benign or pathogenic. Thus, the clinical significance of this variant is currently uncertain.

Illumina Laboratory Services, Illumina
Classification: Uncertain significance for Acrodysostosis 1 with or without hormone resistance. Last evaluated: 2018-01-13. Review status: criteria provided, single submitter. Criteria: ICSL Variant Classification Criteria 13 December 2019. Collection method: clinical testing. Allele origin: germline.

Illumina Laboratory Services, Illumina
Classification: Uncertain significance for Carney complex, type 1. Last evaluated: 2018-01-13. Review status: criteria provided, single submitter. Criteria: ICSL Variant Classification Criteria 13 December 2019. Collection method: clinical testing. Allele origin: germline.

NM_002734.5(PRKAR1A):c.770-8T>G

Gene: PRKAR1A (protein kinase cAMP-dependent type I regulatory subunit alpha; plus strand). Cytogenetic location: 17q24.2.
Variant type: single nucleotide variant.
Coding change: c.770-8T>G on transcript NM_002734.5 (MANE Select); 8 bases into the intron before coding-DNA position 770, T replaced by G.
Molecular consequence: intron variant.
Genome position (GRCh38, 1-based): chr17:68,528,862, T>G. VCF-style: chr17-68528862-T-G. GRCh37 (hg19) VCF-style: chr17-66525003-T-G.
Other names: c.770-8T>G (NM_001278433.2, NM_001369389.1, NM_212471.3 and 4 more transcripts).
Identifiers: ClinVar variation 892521 (VCV000892521.12), dbSNP rs182841147, ClinGen allele CA1139665845.
Genomic context (GRCh38, chr17:68,528,862, plus strand): 5'-TACTTTCTTTTTACCTTTATAACAGCACCAAATAATACAGAGCAGTTATTTTGATTCTTG[T>G]CTTTCAGAGTCTCTGGACAAGTGGGAACGTCTTACGGTAGCTGATGCATTGGAACCAGTG-3'